The following is an entry in ClinVar:

NM_005633.4(SOS1):c.2446A>G (p.Ile816Val)

Gene: SOS1 (SOS Ras/Rac guanine nucleotide exchange factor 1; minus strand). Cytogenetic location: 2p22.1.
Variant type: single nucleotide variant.
Coding change: c.2446A>G on transcript NM_005633.4 (MANE Select); coding-DNA position 2446, A replaced by G.
Protein change: p.Ile816Val; replaces isoleucine 816 with valine.
Molecular consequence: missense variant.
Genome position (GRCh38, 1-based): chr2:39,010,648, T>C on the plus strand (A>G on the coding strand, the complement: SOS1 is on the minus strand). VCF-style: chr2-39010648-T-C. GRCh37 (hg19) VCF-style: chr2-39237789-T-C.
Other names: c.2425A>G, p.Ile809Val (NM_001382394.1); c.2446A>G, p.Ile816Val (NM_001382395.1); short protein forms I809V, I816V.
Identifiers: ClinVar variation 1492084 (VCV001492084.9), dbSNP rs2124511484, ClinGen allele CA346363842.

ClinVar aggregate classification (germline): Uncertain significance. Review status: criteria provided, multiple submitters, no conflicts (2 of 4 stars). 4 submissions from 3 submitters: Uncertain significance (4). Last evaluated 2023-11-27.

Conditions:
Cardiovascular phenotype. Identifiers: MedGen CN230736.
RASopathy. Also called: rasopathies; Noonan spectrum disorder. Identifiers: Orphanet 536391, MedGen C5555857, MONDO:0021060.
Fibromatosis, gingival, 1 (GINGF1). Identifiers: Orphanet 2024, MedGen C4551558, MONDO:0007609, OMIM 135300.
Noonan syndrome 4 (NS4). Also called: SOS1-Related Noonan Syndrome; NOONAN SYNDROME WITH PIGMENTED VILLONODULAR SYNOVITIS. Identifiers: Orphanet 648, MedGen C1853120, MONDO:0012547, OMIM 610733.

Submissions (4):

Labcorp Genetics (formerly Invitae), Labcorp
Classification: Uncertain significance for RASopathy. Last evaluated: 2023-11-27. Review status: criteria provided, single submitter. Criteria: Invitae Variant Classification Sherloc (09022015). Collection method: clinical testing. Allele origin: germline.
Comment: This sequence change replaces isoleucine, which is neutral and non-polar, with valine, which is neutral and non-polar, at codon 816 of the SOS1 protein (p.Ile816Val). This variant is not present in population databases (gnomAD no frequency). This variant has not been reported in the literature in individuals affected with SOS1-related conditions. ClinVar contains an entry for this variant (Variation ID: 1492084). Advanced modeling of protein sequence and biophysical properties (such as structural, functional, and spatial information, amino acid conservation, physicochemical variation, residue mobility, and thermodynamic stability) has been performed at Invitae for this missense variant, however the output from this modeling did not meet the statistical confidence thresholds required to predict the impact of this variant on SOS1 protein function. In summary, the available evidence is currently insufficient to determine the role of this variant in disease. Therefore, it has been classified as a Variant of Uncertain Significance.

Ambry Genetics
Classification: Uncertain significance for Cardiovascular phenotype. Last evaluated: 2021-12-08. Review status: criteria provided, single submitter. Criteria: Ambry Variant Classification Scheme 2023. Collection method: clinical testing. Allele origin: germline.
Comment: The p.I816V variant (also known as c.2446A>G), located in coding exon 15 of the SOS1 gene, results from an A to G substitution at nucleotide position 2446. The isoleucine at codon 816 is replaced by valine, an amino acid with highly similar properties. This amino acid position is conserved. In addition, this alteration is predicted to be tolerated by in silico analysis. Since supporting evidence is limited at this time, the clinical significance of this alteration remains unclear.

Genome-Nilou Lab
Classification: Uncertain significance for Noonan syndrome 4. Review status: criteria provided, single submitter. Criteria: ACMG Guidelines, 2015. Collection method: clinical testing. Allele origin: germline.

Genome-Nilou Lab
Classification: Uncertain significance for Fibromatosis, gingival, 1. Review status: criteria provided, single submitter. Criteria: ACMG Guidelines, 2015. Collection method: clinical testing. Allele origin: germline.